The following is an entry in ClinVar:

ClinVar aggregate classification (germline): Conflicting classifications of pathogenicity. Review status: criteria provided, conflicting classifications (1 of 4 stars). 3 submissions from 3 submitters: Uncertain significance (2); Likely benign (1). Last evaluated 2026-01-18.

Conditions:
Hereditary cancer-predisposing syndrome. Also called: Neoplastic Syndromes, Hereditary; Hereditary Cancer Syndrome; Tumor predisposition; Hereditary neoplastic syndrome. Identifiers: Orphanet 140162, MedGen C0027672, MeSH D009386, MONDO:0015356.
Ataxia-telangiectasia syndrome (AT). Also called: LOUIS-BAR SYNDROME; Cerebello-oculocutaneous telangiectasia; Immunodeficiency with ataxia telangiectasia; Ataxia-telangiectasia, complementation group D; AT, COMPLEMENTATION GROUP C; Ataxia-telangiectasia, complementation group E. Identifiers: Orphanet 100, MedGen C0004135, MONDO:0008840, OMIM 208900.

Submissions (3):

Labcorp Genetics (formerly Invitae), Labcorp
Classification: Likely benign for Ataxia-telangiectasia syndrome. Last evaluated: 2026-01-18. Review status: criteria provided, single submitter. Criteria: Invitae Variant Classification Sherloc (09022015). Collection method: clinical testing. Allele origin: germline.

Color Diagnostics, LLC DBA Color Health
Classification: Uncertain significance for Hereditary cancer-predisposing syndrome. Last evaluated: 2018-10-03. Review status: criteria provided, single submitter. Criteria: ACMG Guidelines, 2015. Collection method: clinical testing. Allele origin: germline.

GeneDx
Classification: Uncertain significance. Last evaluated: 2016-03-24. Review status: criteria provided, single submitter. Criteria: GeneDx Variant Classification (06012015). Collection method: clinical testing. Allele origin: germline. Affected: yes.
Comment: This variant is denoted ATM c.8269-18_8269-15delTTTA or IVS56-18_IVS56-15delTTTA and consists of a deletion of four nucleotides at the -18 to -15 position in intron 56 of the ATM gene. The normal sequence with the bases that are deleted in braces is ggta[ttta]atct. Multiple in silico models predict this variant to impact the nearby natural acceptor site, and to possibly cause abnormal gene splicing. However, in the absence of RNA or functional studies, the actual effect of this variant is unknown. ATM c.8269-18_8269-15delTTTA was not observed in approximately 6,500 individuals of European and African American ancestry in the NHLBI Exome Sequencing Project, indicating it is not a common benign variant in these populations. This variant has not, to our knowledge, been published in the literature as pathogenic or benign. The nucleotides that are deleted are not conserved across species. Based on the currently available information, we consider ATM c.8269-18_8269-15delTTTA to be a variant of uncertain significance.

NM_000051.4(ATM):c.8269-18_8269-15del

Genes: ATM (ATM serine/threonine kinase; plus strand), C11orf65 (chromosome 11 open reading frame 65; minus strand). Cytogenetic location: 11q22.3.
Variant type: Deletion.
Coding change: c.8269-18_8269-15del on transcript NM_000051.4 (MANE Select); 18 bases into the intron before coding-DNA position 8269 through 15 bases into the intron before coding-DNA position 8269, 4 bases deleted (TTTA; older notation c.8269-18_8269-15delTTTA).
Molecular consequence: intron variant.
Genome position (GRCh38, 1-based): chr11:108,343,204-108,343,207, TTTA deleted; deleting any 4 consecutive bases within chr11:108,343,202-108,343,207 gives the same sequence; the c. name uses the placement nearest the transcript's 3' end. VCF-style (leftmost placement, unchanged base first): chr11-108343201-GTATT-G. GRCh37 (hg19) VCF-style: chr11-108213928-GTATT-G.
Other names: c.8269-18_8269-15delTTTA (NM_000051.3); c.8269-18_8269-15del (NM_001351834.2); c.641-34134_641-34131del (NM_001330368.2); c.695-7913_695-7910del (NM_001351110.2).
Identifiers: ClinVar variation 420756 (VCV000420756.13), dbSNP rs1064794684, ClinGen allele CA16619253.
Genomic context (GRCh38, chr11:108,343,201, plus strand): 5'-ACTGACTCTGATAGCTGAATGATCATCAAATGCTCTTTAATGGCCTTTTAAAATTAAAAG[GTATT>G]TAATCTGTAACTCCAGGTGGTTCCCCTCTCTCAGCGAAGTGGTGTTCTTGAATGGTGCAC-3'